The following is an entry in ClinVar:

ClinVar aggregate classification (germline): Pathogenic (1 of 4 stars; one submission).

Conditions:
Aortic valve disease 2 (AOVD2). Identifiers: MedGen C3542024, MONDO:0013902, OMIM 614823.

Submission:

Labcorp Genetics (formerly Invitae), Labcorp
Classification: Pathogenic for Aortic valve disease 2. Last evaluated: 2016-01-27. Review status: criteria provided, single submitter. Criteria: Invitae Variant Classification Sherloc (09022015). Collection method: clinical testing. Allele origin: germline.
Comment: This sequence change deletes 1 nucleotide from exon 8 of the TBX5 mRNA (c.958delA), causing a frameshift at codon 320. This creates a premature translational stop signal (p.Ile320Phefs*74) and is expected to result in an absent or disrupted protein product. While this particular variant has not been reported in the literature, truncating variants in TBX5 are known to be pathogenic (PMID: 16183809, 16917909). For these reasons, this variant has been classified as Pathogenic.

Literature cited by the submitters: PubMed 16183809; PubMed 16917909.

NM_181486.4(TBX5):c.958del (p.Ile320fs)

Gene: TBX5 (T-box transcription factor 5; minus strand). Cytogenetic location: 12q24.21.
Variant type: Deletion.
Coding change: c.958del on transcript NM_181486.4 (MANE Select); coding-DNA position 958, one base deleted (A; older notation c.958delA).
Protein change: p.Ile320fs; shifts the reading frame from isoleucine 320.
Molecular consequence: frameshift variant.
Genome position (GRCh38, 1-based): chr12:114,366,189, T deleted on the plus strand (A on the coding strand, the reverse complement: TBX5 is on the minus strand); the first of 3 consecutive T bases (chr12:114,366,189-114,366,191); deleting any one gives the same sequence. VCF-style (leftmost placement, unchanged base first): chr12-114366188-AT-A. GRCh37 (hg19) VCF-style: chr12-114803993-AT-A.
Other names: c.958del, p.Ile320fs (NM_000192.3); c.808del, p.Ile270fs (NM_080717.4); c.958delA (NM_000192.3); short protein forms I270fs, I320fs.
Identifiers: ClinVar variation 237218 (VCV000237218.6), dbSNP rs878853750, ClinGen allele CA10582960.